The following is an entry in ClinVar:

NM_015065.3(EXPH5):c.836C>G (p.Thr279Ser)

Gene: EXPH5 (exophilin 5; minus strand). Cytogenetic location: 11q22.3.
Variant type: single nucleotide variant.
Coding change: c.836C>G on transcript NM_015065.3 (MANE Select); coding-DNA position 836, C replaced by G.
Protein change: p.Thr279Ser; replaces threonine 279 with serine.
Molecular consequence: missense variant.
Genome position (GRCh38, 1-based): chr11:108,514,671, G>C on the plus strand (C>G on the coding strand, the complement: EXPH5 is on the minus strand). VCF-style: chr11-108514671-G-C. GRCh37 (hg19) VCF-style: chr11-108385398-G-C.
Other names: c.608C>G, p.Thr203Ser (NM_001144763.2); c.368C>G, p.Thr123Ser (NM_001144764.2); c.272C>G, p.Thr91Ser (NM_001144765.2); c.815C>G, p.Thr272Ser (NM_001308019.2); short protein forms T123S, T203S, T279S, T272S, T91S.
Identifiers: ClinVar variation 3511050 (VCV003511050.2).

ClinVar aggregate classification (germline): Uncertain significance. Review status: criteria provided, multiple submitters, no conflicts (2 of 4 stars). 2 submissions from 2 submitters: Uncertain significance (2). Last evaluated 2025-11-10.

Conditions:
Inborn genetic diseases. Identifiers: MedGen C0950123, MeSH D030342.
EXPH5-related disorder. Also called: EXPH5-related condition.

gnomAD v4.1: 88 of 1,604,580 alleles (0.0055%); highest among the groups gnomAD compares: Admixed American, 0.01%; no homozygotes.

Submissions (2):

PreventionGenetics, part of Exact Sciences
Classification: Uncertain significance for EXPH5-related condition. Last evaluated: 2025-11-10. Review status: criteria provided, single submitter. Criteria: ACMG Guidelines, 2015. Collection method: clinical testing. Allele origin: germline.
Comment: The EXPH5 c.836C>G variant is predicted to result in the amino acid substitution p.Thr279Ser. To our knowledge, this variant has not been reported in the literature. This variant is reported in 0.018% of alleles in individuals of Latino descent in gnomAD. At this time, the clinical significance of this variant is uncertain due to the absence of conclusive functional and genetic evidence.

Ambry Genetics
Classification: Uncertain significance for Inborn genetic diseases. Last evaluated: 2024-10-17. Review status: criteria provided, single submitter. Criteria: Ambry Variant Classification Scheme 2023. Collection method: clinical testing. Allele origin: germline.